The following is an entry in ClinVar:

NM_000384.3(APOB):c.689G>A (p.Gly230Asp)

Gene: APOB (apolipoprotein B; minus strand). Cytogenetic location: 2p24.1.
Variant type: single nucleotide variant.
Coding change: c.689G>A on transcript NM_000384.3 (MANE Select); coding-DNA position 689, G replaced by A.
Protein change: p.Gly230Asp; replaces glycine 230 with aspartic acid.
Molecular consequence: missense variant.
Genome position (GRCh38, 1-based): chr2:21,037,104, C>T on the plus strand (G>A on the coding strand, the complement: APOB is on the minus strand). VCF-style: chr2-21037104-C-T. GRCh37 (hg19) VCF-style: chr2-21259976-C-T.
Other names: short protein forms G230D.
Identifiers: ClinVar variation 964687 (VCV000964687.12), dbSNP rs755661819, ClinGen allele CA063706.
Genomic context (GRCh38, chr2:21,037,104, plus strand): 5'-TGTATTAATAAGAGGATGCTCCTTGCTGTGCACGACAGTGCTGACATGGGACTTACCATG[C>T]CTTTGATGAGAGCAAGTGGGCTGATGCCTGTGCGGATGGGCTTGAAGCGATCACACTGCC-3'
Protein context (NP_000375.3, residues 220-240): TGISPLALIK[Gly230Asp]MTRPLSTLIS

ClinVar aggregate classification (germline): Uncertain significance (1 of 4 stars; one submission).

Conditions:
Familial hypobetalipoproteinemia 1. Also called: APOB-Related Familial Hypobetalipoproteinemia; Hypobetalipoproteinemia, normotriglyceridemic; Acanthocytosis with hypobetalipoproteinemia. Identifiers: MedGen C4551990, MONDO:0014252, OMIM 615558.
Hypercholesterolemia, autosomal dominant, type B (FHCL2). Also called: Familial Hypercholesterolemia Type B; APOLIPOPROTEIN B-100, FAMILIAL DEFECTIVE; APOLIPOPROTEIN B-100, FAMILIAL LIGAND-DEFECTIVE; APOB-Related Familial Hypercholesterolemia, Autosomal Dominant; Familial hypercholesterolemia 2; Hyperlipoproteinemia Type IIb. Identifiers: MedGen C1704417, MONDO:0007751, OMIM 144010.

Allele frequency attached by ClinVar (database versions not stated): TOPMed 0.00001.
gnomAD v4.1: 6 of 1,614,172 alleles (0.00037%); highest among the groups gnomAD compares: Non-Finnish European, 0.00042%; no homozygotes.

Submission:

Labcorp Genetics (formerly Invitae), Labcorp
Classification: Uncertain significance for Familial hypobetalipoproteinemia 1; Hypercholesterolemia, autosomal dominant, type B. Last evaluated: 2025-12-26. Review status: criteria provided, single submitter. Criteria: Invitae Variant Classification Sherloc (09022015). Collection method: clinical testing. Allele origin: germline.
Comment: This sequence change replaces glycine, which is neutral and non-polar, with aspartic acid, which is acidic and polar, at codon 230 of the APOB protein (p.Gly230Asp). This variant is present in population databases (rs755661819, gnomAD 0.002%). This variant has not been reported in the literature in individuals affected with APOB-related conditions. ClinVar contains an entry for this variant (Variation ID: 964687). Invitae Evidence Modeling of protein sequence and biophysical properties (such as structural, functional, and spatial information, amino acid conservation, physicochemical variation, residue mobility, and thermodynamic stability) indicates that this missense variant is not expected to disrupt APOB protein function with a negative predictive value of 95%. In summary, the available evidence is currently insufficient to determine the role of this variant in disease. Therefore, it has been classified as a Variant of Uncertain Significance.